The following is an entry in ClinVar:

NM_002519.3(NPAT):c.1447A>C (p.Ile483Leu)

Gene: NPAT (nuclear protein, coactivator of histone transcription; minus strand). Cytogenetic location: 11q22.3.
Variant type: single nucleotide variant.
Coding change: c.1447A>C on transcript NM_002519.3 (MANE Select); coding-DNA position 1447, A replaced by C.
Protein change: p.Ile483Leu; replaces isoleucine 483 with leucine.
Molecular consequence: missense variant.
Genome position (GRCh38, 1-based): chr11:108,173,537, T>G on the plus strand (A>C on the coding strand, the complement: NPAT is on the minus strand). VCF-style: chr11-108173537-T-G. GRCh37 (hg19) VCF-style: chr11-108044264-T-G.
Other names: c.1447A>C, p.Ile483Leu (NM_001321307.1); short protein forms I483L.
Identifiers: ClinVar variation 3300675 (VCV003300675.1).

ClinVar aggregate classification (germline): Uncertain significance (1 of 4 stars; one submission).

Submission:

Ambry Genetics
Classification: Uncertain significance. Last evaluated: 2024-04-24. Review status: criteria provided, single submitter. Criteria: Ambry Variant Classification Scheme 2023. Collection method: clinical testing. Allele origin: germline.
Comment: The p.I483L variant (also known as c.1447A>C), located in coding exon 13 of the NPAT gene, results from an A to C substitution at nucleotide position 1447. The isoleucine at codon 483 is replaced by leucine, an amino acid with highly similar properties. This amino acid position is conserved. In addition, this alteration is predicted to be tolerated by in silico analysis. Based on the available evidence, the clinical significance of this variant remains unclear.